The following is an entry in ClinVar:

NM_005422.4(TECTA):c.2239C>T (p.Pro747Ser)

Genes: TBCEL-TECTA (TBCEL-TECTA readthrough; plus strand), TECTA (tectorin alpha; plus strand). Cytogenetic location: 11q23.3.
Variant type: single nucleotide variant.
Coding change: c.2239C>T on transcript NM_005422.4 (MANE Select); coding-DNA position 2239, C replaced by T.
Protein change: p.Pro747Ser; replaces proline 747 with serine.
Molecular consequence: missense variant.
Genome position (GRCh38, 1-based): chr11:121,128,216, C>T. VCF-style: chr11-121128216-C-T. GRCh37 (hg19) VCF-style: chr11-120998925-C-T.
Other names: c.3196C>T, p.Pro1066Ser (NM_001378761.1); short protein forms P1066S, P747S.
Identifiers: ClinVar variation 3766087 (VCV003766087.3).

ClinVar aggregate classification (germline): Conflicting classifications of pathogenicity. Review status: criteria provided, conflicting classifications (1 of 4 stars). 2 submissions from 2 submitters: Uncertain significance (1); Likely benign (1). Last evaluated 2025-06-04.

Submissions (2):

Labcorp Genetics (formerly Invitae), Labcorp
Classification: Likely benign. Last evaluated: 2025-06-04. Review status: criteria provided, single submitter. Criteria: Invitae Variant Classification Sherloc (09022015). Collection method: clinical testing. Allele origin: germline.

GeneDx
Classification: Uncertain significance. Last evaluated: 2025-03-21. Review status: criteria provided, single submitter. Criteria: GeneDx Variant Classification Process June 2021. Collection method: clinical testing. Allele origin: germline.
Comment: In silico analysis supports that this missense variant has a deleterious effect on protein structure/function; Has not been previously published as pathogenic or benign to our knowledge